The following is an entry in ClinVar:

ClinVar aggregate classification (germline): Uncertain significance (1 of 4 stars; one submission).

Submission:

Labcorp Genetics (formerly Invitae), Labcorp
Classification: Uncertain significance. Last evaluated: 2020-03-02. Review status: criteria provided, single submitter. Criteria: Invitae Variant Classification Sherloc (09022015). Collection method: clinical testing. Allele origin: germline.
Comment: In summary, the available evidence is currently insufficient to determine the role of this variant in disease. Therefore, it has been classified as a Variant of Uncertain Significance. This variant has not been reported in the literature in individuals with MTOR-related conditions. This variant results in a copy number gain of the genomic region encompassing exons 14-19 of the MTOR gene. While the exact position of this variant cannot be determined from this data, sub-genic copy number gains are generally in tandem (PMID: 25640679). This variant would be expected to be in-frame, preserving the integrity of the reading frame.

Literature cited by the submitters: PubMed 25640679.

NC_000001.10:g.(?_11288705)_(11294342_?)dup

Gene: MTOR (mechanistic target of rapamycin kinase; minus strand). Cytogenetic location: 1p36.22.
Variant type: Duplication.
Identifiers: ClinVar variation 1015394 (VCV001015394.5).